The following is an entry in ClinVar:

ClinVar aggregate classification (germline): Likely pathogenic (1 of 4 stars; one submission).

Conditions:
Spinocerebellar ataxia 48. Identifiers: Orphanet 631103, MedGen C4748158, MONDO:0032526, OMIM 618093.

Submission:

Variantyx, Inc.
Classification: Likely pathogenic for Spinocerebellar ataxia 48. Last evaluated: 2025-10-23. Review status: criteria provided, single submitter. Criteria: Variantyx Assertion Criteria 2022. Collection method: clinical testing. Allele origin: de novo. Inheritance: Autosomal dominant inheritance. Affected: yes.
Comment: This is a nonsynonymous variant in the STUB1 gene (OMIM: 607207). Pathogenic variants in this gene have been associated with autosomal dominant spinocerebellar ataxia 48. This variant likely occurred de novo in an individual reported in the published literature; however, the possibility of parental germline mosaicism cannot be excluded (PMID: 35398354) (PS2_Supporting). Functional studies have shown that this variant alters STUB1 protein function (PMID: 35398354) (PS3), and multiple computational algorithms predict a deleterious effect for this variant (REVEL score: 0.699) (PP3). Moreover, this variant lies within a known hotspot for pathogenic variants or a well-established critical functional domain of the STUB1 protein (PMID: 25258038) (PM1). This variant is absent from control populations (PM2). Based on the current evidence, this variant is classified as likely pathogenic for autosomal dominant spinocerebellar ataxia 48.\

Literature cited by the submitters: PubMed 25258038; PubMed 35398354.

NM_005861.4(STUB1):c.155C>G (p.Ala52Gly)

Gene: STUB1 (STIP1 homology and U-box containing protein 1; plus strand). Cytogenetic location: 16p13.3.
Variant type: single nucleotide variant.
Coding change: c.155C>G on transcript NM_005861.4 (MANE Select); coding-DNA position 155, C replaced by G.
Protein change: p.Ala52Gly; replaces alanine 52 with glycine.
Molecular consequence: missense variant. On other transcripts: 5 prime UTR variant (1).
Genome position (GRCh38, 1-based): chr16:680,680, C>G. VCF-style: chr16-680680-C-G. GRCh37 (hg19) VCF-style: chr16-730680-C-G.
Other names: c.-151C>G (NM_001293197.2); short protein forms A52G.
Identifiers: ClinVar variation 4850022 (VCV004850022.1).